The following is an entry in ClinVar:

ClinVar aggregate classification (germline): Uncertain significance. Review status: criteria provided, multiple submitters, no conflicts (2 of 4 stars). 2 submissions from 2 submitters: Uncertain significance (2). Last evaluated 2025-09-15.

Allele frequency attached by ClinVar (database versions not stated): ExAC 0.00013; TOPMed 0.00015; ESP Exome Variant Server 0.00017; gnomAD 0.00021; gnomAD exomes 0.00026.

Submissions (2):

Labcorp Genetics (formerly Invitae), Labcorp
Classification: Uncertain significance. Last evaluated: 2025-09-15. Review status: criteria provided, single submitter. Criteria: Invitae Variant Classification Sherloc (09022015). Collection method: clinical testing. Allele origin: germline.
Comment: This sequence change replaces asparagine, which is neutral and polar, with serine, which is neutral and polar, at codon 366 of the TRMT10C protein (p.Asn366Ser). This variant is present in population databases (rs200473482, gnomAD 0.02%). This variant has not been reported in the literature in individuals affected with TRMT10C-related conditions. ClinVar contains an entry for this variant (Variation ID: 2080688). Invitae Evidence Modeling of protein sequence and biophysical properties (such as structural, functional, and spatial information, amino acid conservation, physicochemical variation, residue mobility, and thermodynamic stability) indicates that this missense variant is not expected to disrupt TRMT10C protein function with a negative predictive value of 80%. In summary, the available evidence is currently insufficient to determine the role of this variant in disease. Therefore, it has been classified as a Variant of Uncertain Significance.

Ambry Genetics
Classification: Uncertain significance. Last evaluated: 2025-01-31. Review status: criteria provided, single submitter. Criteria: Ambry Variant Classification Scheme 2023. Collection method: clinical testing. Allele origin: germline.

NM_017819.4(TRMT10C):c.1097A>G (p.Asn366Ser)

Gene: TRMT10C (tRNA methyltransferase 10C, mitochondrial RNase P subunit; plus strand). Cytogenetic location: 3q12.3.
Variant type: single nucleotide variant.
Coding change: c.1097A>G on transcript NM_017819.4 (MANE Select); coding-DNA position 1097, A replaced by G.
Protein change: p.Asn366Ser; replaces asparagine 366 with serine.
Molecular consequence: missense variant.
Genome position (GRCh38, 1-based): chr3:101,565,878, A>G. VCF-style: chr3-101565878-A-G. GRCh37 (hg19) VCF-style: chr3-101284722-A-G.
Other names: short protein forms N366S.
Identifiers: ClinVar variation 2080688 (VCV002080688.5), dbSNP rs200473482, ClinGen allele CA2520617.